The following is an entry in ClinVar:

NM_001377.3(DYNC2H1):c.7839+6A>G

Gene: DYNC2H1 (dynein cytoplasmic 2 heavy chain 1; plus strand). Cytogenetic location: 11q22.3.
Variant type: single nucleotide variant.
Coding change: c.7839+6A>G on transcript NM_001377.3 (MANE Select); 6 bases into the intron after coding-DNA position 7839, A replaced by G.
Molecular consequence: intron variant.
Genome position (GRCh38, 1-based): chr11:103,198,069, A>G. VCF-style: chr11-103198069-A-G. GRCh37 (hg19) VCF-style: chr11-103068798-A-G.
Other names: c.7839+6A>G (NM_001080463.2).
Identifiers: ClinVar variation 1518609 (VCV001518609.4), dbSNP rs1432491048, ClinGen allele CA601231229.
Genomic context (GRCh38, chr11:103,198,069, plus strand): 5'-TGGAAAACCACTTGGAAAACTAAACTCTACTGATCTCAAGGATGTTATTAAAAAGGTATA[A>G]TATGAATCATTAATTGGAACTGGGATTTGGTCATTATAGTCTTTTAAAAATATTTATTGT-3'

ClinVar aggregate classification (germline): Conflicting classifications of pathogenicity. Review status: criteria provided, conflicting classifications (1 of 4 stars). 2 submissions from 2 submitters: Uncertain significance (1); Likely benign (1). Last evaluated 2022-03-30.

Conditions:
Jeune thoracic dystrophy. Also called: Jeune syndrome; Infantile thoracic dystrophy; Thoracic pelvic phalangeal dystrophy; Jeune's syndrome; Chondroectodermal dysplasia-like syndrome; Short-rib thoracic dysplasia. Identifiers: Orphanet 474, MedGen C0265275, MONDO:0018770.

Allele frequency attached by ClinVar (database versions not stated): gnomAD exomes below 0.00001 and 0.00001; TOPMed below 0.00001; gnomAD 0.00001.
gnomAD v4.1: 4 of 1,550,424 alleles (0.00026%); highest among the groups gnomAD compares: Non-Finnish European, 0.00035%; no homozygotes.

Submissions (2):

Blueprint Genetics
Classification: Likely benign. Last evaluated: 2022-03-30. Review status: criteria provided, single submitter. Criteria: ACMG Guidelines, 2015. Collection method: clinical testing. Allele origin: germline.

Labcorp Genetics (formerly Invitae), Labcorp
Classification: Uncertain significance for Jeune thoracic dystrophy. Last evaluated: 2021-12-03. Review status: criteria provided, single submitter. Criteria: Invitae Variant Classification Sherloc (09022015). Collection method: clinical testing. Allele origin: germline.
Comment: This sequence change falls in intron 48 of the DYNC2H1 gene. It does not directly change the encoded amino acid sequence of the DYNC2H1 protein. It affects a nucleotide within the consensus splice site. This variant is present in population databases (no rsID available, gnomAD 0.002%). This variant has not been reported in the literature in individuals affected with DYNC2H1-related conditions. Variants that disrupt the consensus splice site are a relatively common cause of aberrant splicing (PMID: 17576681, 9536098). Algorithms developed to predict the effect of sequence changes on RNA splicing suggest that this variant may create or strengthen a splice site. In summary, the available evidence is currently insufficient to determine the role of this variant in disease. Therefore, it has been classified as a Variant of Uncertain Significance.

Literature cited by the submitters: PubMed 17576681 (cited by Labcorp Genetics (formerly Invitae), Labcorp); PubMed 9536098 (cited by Labcorp Genetics (formerly Invitae), Labcorp).